The following is an entry in ClinVar:

ClinVar aggregate classification (germline): Uncertain significance. Review status: criteria provided, multiple submitters, no conflicts (2 of 4 stars). 2 submissions from 2 submitters: Uncertain significance (2). Last evaluated 2025-01-17.

Conditions:
Acute myeloid leukemia (AML). Also called: Acute myeloid leukemia, adult; AML adult; Acute non-lymphocytic leukemia; Acute granulocytic leukemia; Leukemia, acute myelogenous, somatic; Leukemia, acute myeloid, somatic. Identifiers: Orphanet 519, MedGen C0023467, MeSH D015470, MONDO:0018874, OMIM 601626, HP:0004808. Disease mechanism: Constitutively activated FLT3.
Inborn genetic diseases. Identifiers: MedGen C0950123, MeSH D030342.

Allele frequency attached by ClinVar (database versions not stated): gnomAD exomes below 0.00001; TOPMed 0.00002; gnomAD 0.00003 and 0.00004.

Submissions (2):

Ambry Genetics
Classification: Uncertain significance for Inborn genetic diseases. Last evaluated: 2025-01-17. Review status: criteria provided, single submitter. Criteria: Ambry Variant Classification Scheme 2023. Collection method: clinical testing. Allele origin: germline.
Comment: The p.R327W variant (also known as c.979C>T), located in coding exon 1 of the CEBPA gene, results from a C to T substitution at nucleotide position 979. The arginine at codon 327 is replaced by tryptophan, an amino acid with dissimilar properties. This amino acid position is highly conserved in available vertebrate species. In addition, the in silico prediction for this alteration is inconclusive. Based on the available evidence, the clinical significance of this variant remains unclear.

Labcorp Genetics (formerly Invitae), Labcorp
Classification: Uncertain significance for Acute myeloid leukemia. Last evaluated: 2023-07-08. Review status: criteria provided, single submitter. Criteria: Invitae Variant Classification Sherloc (09022015). Collection method: clinical testing. Allele origin: germline.
Comment: This variant has not been reported in the literature in individuals affected with CEBPA-related conditions. This variant is not present in population databases (gnomAD no frequency). This sequence change replaces arginine, which is basic and polar, with tryptophan, which is neutral and slightly polar, at codon 327 of the CEBPA protein (p.Arg327Trp). In summary, the available evidence is currently insufficient to determine the role of this variant in disease. Therefore, it has been classified as a Variant of Uncertain Significance. Advanced modeling of protein sequence and biophysical properties (such as structural, functional, and spatial information, amino acid conservation, physicochemical variation, residue mobility, and thermodynamic stability) performed at Invitae indicates that this missense variant is expected to disrupt CEBPA protein function. ClinVar contains an entry for this variant (Variation ID: 951738).

NM_004364.5(CEBPA):c.979C>T (p.Arg327Trp)

Gene: CEBPA (CCAAT enhancer binding protein alpha; minus strand). Cytogenetic location: 19q13.11.
Variant type: single nucleotide variant.
Coding change: c.979C>T on transcript NM_004364.5 (MANE Select); coding-DNA position 979, C replaced by T.
Protein change: p.Arg327Trp; replaces arginine 327 with tryptophan.
Molecular consequence: missense variant.
Genome position (GRCh38, 1-based): chr19:33,301,436, G>A on the plus strand (C>T on the coding strand, the complement: CEBPA is on the minus strand). VCF-style: chr19-33301436-G-A. GRCh37 (hg19) VCF-style: chr19-33792342-G-A.
Other names: c.622C>T, p.Arg208Trp (NM_001285829.2); c.1084C>T, p.Arg362Trp (NM_001287424.2); c.937C>T, p.Arg313Trp (NM_001287435.2); c.979C>T (NM_004364.3); short protein forms R313W, R208W, R327W, R362W.
Identifiers: ClinVar variation 951738 (VCV000951738.9), dbSNP rs1306818311, ClinGen allele CA405273791.